The following is an entry in ClinVar:

NM_004260.4(RECQL4):c.512G>T (p.Arg171Leu)

Gene: RECQL4 (RecQ like helicase 4; minus strand). Cytogenetic location: 8q24.3.
Variant type: single nucleotide variant.
Coding change: c.512G>T on transcript NM_004260.4 (MANE Select); coding-DNA position 512, G replaced by T.
Protein change: p.Arg171Leu; replaces arginine 171 with leucine.
Molecular consequence: missense variant.
Genome position (GRCh38, 1-based): chr8:144,516,607, C>A on the plus strand (G>T on the coding strand, the complement: RECQL4 is on the minus strand). VCF-style: chr8-144516607-C-A. GRCh37 (hg19) VCF-style: chr8-145741991-C-A.
Other names: short protein forms R171L.
Identifiers: ClinVar variation 1002263 (VCV001002263.5), dbSNP rs770777125, ClinGen allele CA372691202.

ClinVar aggregate classification (germline): Uncertain significance (1 of 4 stars; one submission).

Conditions:
Baller-Gerold syndrome (BGS). Also called: CRANIOSYNOSTOSIS WITH RADIAL DEFECTS. Identifiers: Orphanet 1225, MedGen C0265308, MONDO:0009039, OMIM 218600.

Submission:

Labcorp Genetics (formerly Invitae), Labcorp
Classification: Uncertain significance for Baller-Gerold syndrome. Last evaluated: 2022-06-25. Review status: criteria provided, single submitter. Criteria: Invitae Variant Classification Sherloc (09022015). Collection method: clinical testing. Allele origin: germline.
Comment: This sequence change replaces arginine, which is basic and polar, with leucine, which is neutral and non-polar, at codon 171 of the RECQL4 protein (p.Arg171Leu). This variant is not present in population databases (gnomAD no frequency). This variant has not been reported in the literature in individuals affected with RECQL4-related conditions. ClinVar contains an entry for this variant (Variation ID: 1002263). Experimental studies and prediction algorithms are not available or were not evaluated, and the functional significance of this variant is currently unknown. In summary, the available evidence is currently insufficient to determine the role of this variant in disease. Therefore, it has been classified as a Variant of Uncertain Significance.